The following is an entry in ClinVar:

NM_003900.5(SQSTM1):c.1288A>G (p.Thr430Ala)

Gene: SQSTM1 (sequestosome 1; plus strand). Cytogenetic location: 5q35.3.
Variant type: single nucleotide variant.
Coding change: c.1288A>G on transcript NM_003900.5 (MANE Select); coding-DNA position 1288, A replaced by G.
Protein change: p.Thr430Ala; replaces threonine 430 with alanine.
Molecular consequence: missense variant.
Genome position (GRCh38, 1-based): chr5:179,836,558, A>G. VCF-style: chr5-179836558-A-G. GRCh37 (hg19) VCF-style: chr5-179263558-A-G.
Other names: c.1036A>G, p.Thr346Ala (NM_001142298.2, NM_001142299.2); short protein forms T346A, T430A.
Identifiers: ClinVar variation 4788165 (VCV004788165.1).

ClinVar aggregate classification (germline): Uncertain significance (1 of 4 stars; one submission).

Conditions:
Frontotemporal dementia and/or amyotrophic lateral sclerosis 1 (FTDALS1). Also called: C9orf72 Frontotemporal Dementia and/or Amyotrophic Lateral Sclerosis; Frontotemporal dementia with motor neuron disease 1. Identifiers: Orphanet 275872, MedGen C5779877, MONDO:0007105, OMIM 105550.
Paget disease of bone 2, early-onset (PDB2). Also called: Paget disease of bone 2. Identifiers: MedGen C4085251, MONDO:0011183, OMIM 602080.

Submission:

Labcorp Genetics (formerly Invitae), Labcorp
Classification: Uncertain significance for Paget disease of bone 2, early-onset; Frontotemporal dementia and/or amyotrophic lateral sclerosis 1. Last evaluated: 2025-02-18. Review status: criteria provided, single submitter. Criteria: Invitae Variant Classification Sherloc (09022015). Collection method: clinical testing. Allele origin: germline.
Comment: This sequence change replaces threonine, which is neutral and polar, with alanine, which is neutral and non-polar, at codon 430 of the SQSTM1 protein (p.Thr430Ala). This variant is not present in population databases (gnomAD no frequency). This variant has not been reported in the literature in individuals affected with SQSTM1-related conditions. Invitae Evidence Modeling of protein sequence and biophysical properties (such as structural, functional, and spatial information, amino acid conservation, physicochemical variation, residue mobility, and thermodynamic stability) indicates that this missense variant is not expected to disrupt SQSTM1 protein function with a negative predictive value of 80%. In summary, the available evidence is currently insufficient to determine the role of this variant in disease. Therefore, it has been classified as a Variant of Uncertain Significance.